The following is an entry in ClinVar:

ClinVar aggregate classification (germline): Uncertain significance (1 of 4 stars; one submission).

Allele frequency attached by ClinVar (database versions not stated): TOPMed below 0.00001; gnomAD 0.00001; ExAC 0.00005; gnomAD exomes 0.00005 and 0.00006.
gnomAD v4.1: 82 of 1,597,362 alleles (0.0051%); highest among the groups gnomAD compares: East Asian, 0.013%; no homozygotes.

Submission:

GeneDx
Classification: Uncertain significance. Last evaluated: 2020-01-08. Review status: criteria provided, single submitter. Criteria: GeneDx Variant Classification Process June 2021. Collection method: clinical testing. Allele origin: germline. Affected: yes.
Comment: In silico analysis, which includes protein predictors and evolutionary conservation, supports that this variant does not alter protein structure/function; This variant is associated with the following publications: (PMID: 27567292)

NM_001009944.3(PKD1):c.7802G>A (p.Arg2601Gln)

Gene: PKD1 (polycystin 1, transient receptor potential channel interacting; minus strand). Cytogenetic location: 16p13.3.
Variant type: single nucleotide variant.
Coding change: c.7802G>A on transcript NM_001009944.3 (MANE Select); coding-DNA position 7802, G replaced by A.
Protein change: p.Arg2601Gln; replaces arginine 2601 with glutamine.
Molecular consequence: missense variant.
Genome position (GRCh38, 1-based): chr16:2,105,926, C>T on the plus strand (G>A on the coding strand, the complement: PKD1 is on the minus strand). VCF-style: chr16-2105926-C-T. GRCh37 (hg19) VCF-style: chr16-2155927-C-T.
Other names: c.7802G>A, p.Arg2601Gln (NM_000296.4); short protein forms R2601Q.
Identifiers: ClinVar variation 1223594 (VCV001223594.3), dbSNP rs746482041, ClinGen allele CA7830905.